The following is an entry in ClinVar:

ClinVar aggregate classification (germline): Uncertain significance (1 of 4 stars; one submission).

Conditions:
Familial thoracic aortic aneurysm and aortic dissection (TAAD). Also called: Thoracic aortic aneurysms and dissections. Identifiers: Orphanet 91387, MedGen C4707243, MONDO:0019625.

Submission:

Ambry Genetics
Classification: Uncertain significance for Familial thoracic aortic aneurysm and aortic dissection. Last evaluated: 2020-12-15. Review status: criteria provided, single submitter. Criteria: Ambry Variant Classification Scheme 2023. Collection method: clinical testing. Allele origin: germline.
Comment: The c.-4C>A variant is located in the 5' untranslated region (5&rsquo;UTR) of the CBS gene. This variant results from a C to A substitution 4 nucleotides upstream from the first translated codon. Based on nucleotide sequence alignment, this position is well conserved in available vertebrate species. Since supporting evidence is limited at this time, the clinical significance of this alteration remains unclear.

NM_000071.3(CBS):c.-4C>A

Gene: CBS (cystathionine beta-synthase; minus strand). Cytogenetic location: 21q22.3.
Variant type: single nucleotide variant.
Coding change: c.-4C>A on transcript NM_000071.3 (MANE Select); 4 bases upstream of the start codon, C replaced by A.
Molecular consequence: 5 prime UTR variant.
Genome position (GRCh38, 1-based): chr21:43,072,197, G>T on the plus strand (C>A on the coding strand, the complement: CBS is on the minus strand). VCF-style: chr21-43072197-G-T. GRCh37 (hg19) VCF-style: chr21-44492307-G-T.
Other names: c.-4C>A (NM_001178008.3, NM_001178009.3, NM_001320298.2).
Identifiers: ClinVar variation 1744687 (VCV001744687.2), dbSNP rs2517484424, ClinGen allele CA2580098780.
Genomic context (GRCh38, chr21:43,072,197, plus strand): 5'-TGAGCGGTGGGGGCAGCCTGTGGGCCCCACTTCTGCCTGGGGGGTCTCAGAAGGCATGCT[G>T]GGACCTGGCAAAGCAAGGAGAGAGGCGTCGGTTCAGGCTCGGATGCTGTGGGGTTCCAGC-3'